The following is an entry in ClinVar:

NM_004977.3(KCNC3):c.1032G>A (p.Thr344=)

Gene: KCNC3 (potassium voltage-gated channel subfamily C member 3; minus strand). Cytogenetic location: 19q13.33.
Variant type: single nucleotide variant.
Coding change: c.1032G>A on transcript NM_004977.3 (MANE Select); coding-DNA position 1032, G replaced by A.
Protein change: p.Thr344=; no amino-acid change (threonine 344 retained).
Molecular consequence: synonymous variant.
Genome position (GRCh38, 1-based): chr19:50,323,921, C>T on the plus strand (G>A on the coding strand, the complement: KCNC3 is on the minus strand). VCF-style: chr19-50323921-C-T. GRCh37 (hg19) VCF-style: chr19-50827178-C-T.
Other names: c.804G>A, p.Thr268= (NM_001372305.1).
Identifiers: ClinVar variation 586079 (VCV000586079.23), dbSNP rs571327522, ClinGen allele CA9594302.

ClinVar aggregate classification (germline): Likely benign. Review status: criteria provided, multiple submitters, no conflicts (2 of 4 stars). 3 submissions from 3 submitters: Likely benign (3). Last evaluated 2025-06-01.

Allele frequency attached by ClinVar (database versions not stated): gnomAD exomes 0.00003; ExAC 0.00004; gnomAD 0.00004; TOPMed 0.00006.
gnomAD v4.1: 49 of 1,614,060 alleles (0.003%); highest among the groups gnomAD compares: South Asian, 0.0077%; no homozygotes.

Submissions (3):

CeGaT Center for Human Genetics Tuebingen
Classification: Likely benign. Last evaluated: 2025-06-01. Review status: criteria provided, single submitter. Criteria: CeGaT Center For Human Genetics Tuebingen Variant Classification Criteria Version 2. Collection method: clinical testing. Allele origin: germline. Affected: yes. Observed: 2 variant alleles.
Comment: KCNC3: BP4, BP7

Labcorp Genetics (formerly Invitae), Labcorp
Classification: Likely benign. Last evaluated: 2023-11-27. Review status: criteria provided, single submitter. Criteria: Invitae Variant Classification Sherloc (09022015). Collection method: clinical testing. Allele origin: germline.

Athena Diagnostics
Classification: Likely benign. Last evaluated: 2018-04-02. Review status: criteria provided, single submitter. Criteria: Athena Diagnostics Criteria. Collection method: clinical testing. Allele origin: germline.